The following is an entry in ClinVar:

ClinVar aggregate classification (germline): Conflicting classifications of pathogenicity. Review status: criteria provided, conflicting classifications (1 of 4 stars). 4 submissions from 4 submitters: Pathogenic (1); Likely pathogenic (1); Uncertain significance (1). 1 of the submissions does not count toward it. Last evaluated 2026-07-28.

Conditions:
Argininosuccinate lyase deficiency. Also called: Argininosuccinic aciduria; ARGININOSUCCINIC ACID LYASE DEFICIENCY; ASL DEFICIENCY. Identifiers: Orphanet 23, MedGen C0268547, MONDO:0008815, OMIM 207900, HP:0025630.

Submissions (4):

Myriad Genetics, Inc.
Classification: Uncertain significance for Argininosuccinate lyase deficiency. Last evaluated: 2026-07-28. Review status: criteria provided, single submitter. Criteria: Myriad Autosomal Dominant, Autosomal Recessive and X-Linked Classification Criteria (2023). Collection method: clinical testing. Allele origin: unknown.
Comment: NM_001024943.1(ASL):c.718+5G>A is an intronic variant classified as a variant of uncertain significance in the context of argininosuccinic aciduria. c.718+5G>A has been observed in a case with relevant disease (PMID: 12384776). Relevant functional assessments of this variant are available in the literature (PMID: 12384776). c.718+5G>A has not been observed in referenced population frequency databases. In summary, there is insufficient evidence to classify NM_001024943.1(ASL):c.718+5G>A as pathogenic or benign. Please note: this variant was assessed in the context of healthy population screening.

Labcorp Genetics (formerly Invitae), Labcorp
Classification: Likely pathogenic for Argininosuccinate lyase deficiency. Last evaluated: 2021-05-21. Review status: criteria provided, single submitter. Criteria: Invitae Variant Classification Sherloc (09022015). Collection method: clinical testing. Allele origin: germline.
Comment: In summary, the currently available evidence indicates that the variant is pathogenic, but additional data are needed to prove that conclusively. Therefore, this variant has been classified as Likely Pathogenic. Studies have shown that this variant is associated with skipping of exon 9 but is expected to preserve the integrity of the reading frame (PMID: 12384776). This variant has been observed in an individual affected with argininosuccinate lyase deficiency (PMID: 12384776). This variant is also known as IVS9+5G>A. ClinVar contains an entry for this variant (Variation ID: 224975). This variant is not present in population databases (ExAC no frequency). This sequence change falls in intron 10 of the ASL gene. It does not directly change the encoded amino acid sequence of the ASL protein, but it affects a nucleotide within the consensus splice site of the intron.

SNPedia
Classification: Pathogenic for Argininosuccinate lyase deficiency. Review status: criteria provided, single submitter. Criteria: Linnebank et al. (Hum Genet. 2002). Collection method: literature only. Allele origin: germline. Affected: yes.

Counsyl
Classification: Uncertain significance for Argininosuccinate lyase deficiency. Last evaluated: 2018-02-01. Review status: no assertion criteria provided. Collection method: clinical testing. Allele origin: unknown. Not counted in ClinVar's aggregate classification.

Literature cited by the submitters: PubMed 12384776 (cited by 3 submitters); PubMed 25525159 (cited by Counsyl).

NM_000048.4(ASL):c.718+5G>A

Gene: ASL (argininosuccinate lyase; plus strand). Cytogenetic location: 7q11.21.
Variant type: single nucleotide variant.
Coding change: c.718+5G>A on transcript NM_000048.4 (MANE Select); 5 bases into the intron after coding-DNA position 718, G replaced by A.
Molecular consequence: intron variant.
Genome position (GRCh38, 1-based): chr7:66,087,796, G>A. VCF-style: chr7-66087796-G-A. GRCh37 (hg19) VCF-style: chr7-65552783-G-A.
Other names: c.718+5G>A (NM_001024943.2, NM_001024944.2); c.640+5G>A (NM_001024946.2).
Identifiers: ClinVar variation 224975 (VCV000224975.13), dbSNP rs869312990, ClinGen allele CA357229.